The following is an entry in ClinVar:

NM_020435.4(GJC2):c.454GAG[6] (p.Glu158del)

Gene: GJC2 (gap junction protein gamma 2; plus strand). Cytogenetic location: 1q42.13.
Variant type: Microsatellite.
Coding change: c.454GAG[6] on transcript NM_020435.4 (MANE Select); six copies in a row of the 3-base unit GAG starting at c.454; the reference has seven copies in a row; one copy, 3 bases deleted.
Protein change: p.Glu158del; deletes glutamic acid 158.
Molecular consequence: inframe deletion.
Genome position (GRCh38, 1-based): chr1:228,158,230-228,158,232, GAG deleted; deleting any 3 consecutive bases within chr1:228,158,212-228,158,232 gives the same sequence; the position shown is the placement nearest the transcript's 3' end. VCF-style (leftmost placement, unchanged base first): chr1-228158211-CGAG-C. GRCh37 (hg19) VCF-style: chr1-228345912-CGAG-C.
Other names: c.472_474delGAG (NM_020435.3); short protein forms E158del.
Identifiers: ClinVar variation 811586 (VCV000811586.28), dbSNP rs746050475, ClinGen allele CA1430856.
Genomic context (GRCh38, chr1:228,158,211, plus strand): 5'-GCACGCCGGCTGGCCTGAGCCCGCCGACCTGGGCGAGGAGGAGCCCATGCTGGGCCTGGG[CGAG>C]GAGGAGGAGGAGGAGGAGACGGGGGCAGCCGAGGGCGCCGGCGAGGAAGCGGAGGAGGCA-3'

ClinVar aggregate classification (germline): Conflicting classifications of pathogenicity. Review status: criteria provided, conflicting classifications (1 of 4 stars). 4 submissions from 4 submitters: Uncertain significance (1); Benign (1); Likely benign (1). 1 of the submissions does not count toward it. Last evaluated 2025-07-07.

Conditions:
Spastic paraplegia. Identifiers: MedGen C0037772, HP:0001258.
GJC2-related disorder. Also called: GJC2-related condition; GJC2-related disorders. Identifiers: MedGen CN230087.

Submissions (4):

ARUP Laboratories, Molecular Genetics and Genomics, ARUP Laboratories
Classification: Benign. Last evaluated: 2025-07-07. Review status: criteria provided, single submitter. Criteria: ARUP Molecular Germline Variant Investigation Process 2024. Collection method: clinical testing. Allele origin: germline.

Labcorp Genetics (formerly Invitae), Labcorp
Classification: Uncertain significance for Spastic paraplegia. Last evaluated: 2025-06-02. Review status: criteria provided, single submitter. Criteria: Invitae Variant Classification Sherloc (09022015). Collection method: clinical testing. Allele origin: germline.
Comment: This variant, c.472_474del, results in the deletion of 1 amino acid(s) of the GJC2 protein (p.Glu158del), but otherwise preserves the integrity of the reading frame. The frequency data for this variant in the population databases is considered unreliable, as metrics indicate poor data quality at this position in the gnomAD database. This variant has not been reported in the literature in individuals affected with GJC2-related conditions. ClinVar contains an entry for this variant (Variation ID: 811586). Experimental studies and prediction algorithms are not available or were not evaluated, and the functional significance of this variant is currently unknown. In summary, the available evidence is currently insufficient to determine the role of this variant in disease. Therefore, it has been classified as a Variant of Uncertain Significance.

Blueprint Genetics
Classification: Likely benign. Last evaluated: 2024-11-26. Review status: criteria provided, single submitter. Criteria: ACMG Guidelines, 2015. Collection method: clinical testing. Allele origin: germline.

PreventionGenetics, part of Exact Sciences
Classification: Likely benign for GJC2-related condition. Last evaluated: 2023-12-06. Review status: no assertion criteria provided. Collection method: clinical testing. Allele origin: germline. Not counted in ClinVar's aggregate classification.
Comment: This variant is classified as likely benign based on ACMG/AMP sequence variant interpretation guidelines (Richards et al. 2015 PMID: 25741868, with internal and published modifications).